The following is an entry in ClinVar:

NM_000127.3(EXT1):c.889A>T (p.Thr297Ser)

Gene: EXT1 (exostosin glycosyltransferase 1; minus strand). Cytogenetic location: 8q24.11.
Variant type: single nucleotide variant.
Coding change: c.889A>T on transcript NM_000127.3 (MANE Select); coding-DNA position 889, A replaced by T.
Protein change: p.Thr297Ser; replaces threonine 297 with serine.
Molecular consequence: missense variant.
Genome position (GRCh38, 1-based): chr8:118,110,158, T>A on the plus strand (A>T on the coding strand, the complement: EXT1 is on the minus strand). VCF-style: chr8-118110158-T-A. GRCh37 (hg19) VCF-style: chr8-119122397-T-A.
Other names: short protein forms T297S.
Identifiers: ClinVar variation 855732 (VCV000855732.9), dbSNP rs1817868656, ClinGen allele CA371914832.
Genomic context (GRCh38, chr8:118,110,158, plus strand): 5'-TGTTGTCTCTGTCACAGCGAGAATCCTTGTGCTTTTGCCAGTCTTTGCCATGCTTGCAGG[T>A]GGTGAGGAGCACAACGTCCTCCCCGTTATGGACGTGATATAAGGCATTCCTGGTGTCTGA-3'
Protein context (NP_000118.2, residues 287-307): HNGEDVVLLT[Thr297Ser]CKHGKDWQKH

ClinVar aggregate classification (germline): Uncertain significance (1 of 4 stars; one submission).

Conditions:
Multiple congenital exostosis (EXT). Also called: Hereditary multiple exostoses; Hereditary multiple exostosis; MULTIPLE CARTILAGINOUS EXOSTOSES; Multiple exostoses; Multiple osteochondromas; Hereditary multiple osteochondromas. Identifiers: Orphanet 321, MedGen C0015306, MONDO:0005508, HP:0002762.

Allele frequency attached by ClinVar (database versions not stated): gnomAD exomes below 0.00001.
gnomAD v4.1: 1 of 1,614,224 alleles (0.000062%); highest among the groups gnomAD compares: African/African-American, 0.0013%; no homozygotes.

Submission:

Labcorp Genetics (formerly Invitae), Labcorp
Classification: Uncertain significance for Multiple congenital exostosis. Last evaluated: 2024-02-24. Review status: criteria provided, single submitter. Criteria: Invitae Variant Classification Sherloc (09022015). Collection method: clinical testing. Allele origin: germline.
Comment: This sequence change replaces threonine, which is neutral and polar, with serine, which is neutral and polar, at codon 297 of the EXT1 protein (p.Thr297Ser). This variant is not present in population databases (gnomAD no frequency). This variant has not been reported in the literature in individuals affected with EXT1-related conditions. ClinVar contains an entry for this variant (Variation ID: 855732). Advanced modeling of protein sequence and biophysical properties (such as structural, functional, and spatial information, amino acid conservation, physicochemical variation, residue mobility, and thermodynamic stability) performed at Invitae indicates that this missense variant is not expected to disrupt EXT1 protein function with a negative predictive value of 80%. In summary, the available evidence is currently insufficient to determine the role of this variant in disease. Therefore, it has been classified as a Variant of Uncertain Significance.